The following is an entry in ClinVar:

NM_000257.4(MYH7):c.3004G>A (p.Ala1002Thr)

Gene: MYH7 (myosin heavy chain 7; minus strand). Cytogenetic location: 14q11.2.
Variant type: single nucleotide variant.
Coding change: c.3004G>A on transcript NM_000257.4 (MANE Select); coding-DNA position 3004, G replaced by A.
Protein change: p.Ala1002Thr; replaces alanine 1002 with threonine.
Molecular consequence: missense variant.
Genome position (GRCh38, 1-based): chr14:23,423,642, C>T on the plus strand (G>A on the coding strand, the complement: MYH7 is on the minus strand). VCF-style: chr14-23423642-C-T. GRCh37 (hg19) VCF-style: chr14-23892851-C-T.
Other names: c.3004G>A, p.Ala1002Thr (NM_001407004.1); short protein forms A1002T.
Identifiers: ClinVar variation 4750373 (VCV004750373.1).

ClinVar aggregate classification (germline): Uncertain significance (1 of 4 stars; one submission).

Conditions:
Hypertrophic cardiomyopathy. Also called: HYPERTROPHIC MYOCARDIOPATHY. Identifiers: Orphanet 217569, MedGen C0007194, MeSH D002312, MONDO:0005045, HP:0001639.

Submission:

Labcorp Genetics (formerly Invitae), Labcorp
Classification: Uncertain significance for Hypertrophic cardiomyopathy. Last evaluated: 2025-12-23. Review status: criteria provided, single submitter. Criteria: Invitae Variant Classification Sherloc (09022015). Collection method: clinical testing. Allele origin: germline.
Comment: This sequence change replaces alanine, which is neutral and non-polar, with threonine, which is neutral and polar, at codon 1002 of the MYH7 protein (p.Ala1002Thr). This variant is not present in population databases (gnomAD no frequency). This variant has not been reported in the literature in individuals affected with MYH7-related conditions. Invitae Evidence Modeling of protein sequence and biophysical properties (such as structural, functional, and spatial information, amino acid conservation, physicochemical variation, residue mobility, and thermodynamic stability) indicates that this missense variant is expected to disrupt MYH7 protein function with a positive predictive value of 95%. In summary, the available evidence is currently insufficient to determine the role of this variant in disease. Therefore, it has been classified as a Variant of Uncertain Significance.